The following is an entry in ClinVar:

NM_000059.4(BRCA2):c.8336C>T (p.Ser2779Phe)

Gene: BRCA2 (BRCA2 DNA repair associated; plus strand). Cytogenetic location: 13q13.1.
Variant type: single nucleotide variant.
Coding change: c.8336C>T on transcript NM_000059.4 (MANE Select); coding-DNA position 8336, C replaced by T.
Protein change: p.Ser2779Phe; replaces serine 2779 with phenylalanine.
Molecular consequence: missense variant.
Genome position (GRCh38, 1-based): chr13:32,370,406, C>T. VCF-style: chr13-32370406-C-T. GRCh37 (hg19) VCF-style: chr13-32944543-C-T.
Other names: short protein forms S2779F.
Identifiers: ClinVar variation 1465521 (VCV001465521.6), dbSNP rs2137596370, ClinGen allele CA387752334.
Genomic context (GRCh38, chr13:32,370,406, plus strand): 5'-AATAGAATTGAATACATATTTAACTACTAAATCAATATATTTATTAATTTGTCCAGATTT[C>T]TGCTAACAGTACTCGGCCTGCTCGCTGGTATACCAAACTTGGATTCTTTCCTGACCCTAG-3'
Protein context (NP_000050.3, residues 2769-2789): EAPESLMLKI[Ser2779Phe]ANSTRPARWY

ClinVar aggregate classification (germline): Uncertain significance (1 of 4 stars; one submission).

Conditions:
Hereditary breast ovarian cancer syndrome. Also called: Hereditary breast and ovarian cancer; Breast and ovarian cancer; BRCA1- and BRCA2-Associated Hereditary Breast and Ovarian Cancer; Hereditary breast and/or ovarian cancer syndrome; Hereditary breast and ovarian cancer syndrome; Hereditary breast and ovarian cancer syndrome (HBOC). Identifiers: Orphanet 145, MedGen C0677776, MeSH D061325, MONDO:0003582. Disease mechanism: loss of function.

Submission:

Labcorp Genetics (formerly Invitae), Labcorp
Classification: Uncertain significance for Hereditary breast ovarian cancer syndrome. Last evaluated: 2022-03-07. Review status: criteria provided, single submitter. Criteria: Invitae Variant Classification Sherloc (09022015). Collection method: clinical testing. Allele origin: germline.
Comment: This variant has not been reported in the literature in individuals affected with BRCA2-related conditions. In summary, the available evidence is currently insufficient to determine the role of this variant in disease. Therefore, it has been classified as a Variant of Uncertain Significance. Advanced modeling of protein sequence and biophysical properties (such as structural, functional, and spatial information, amino acid conservation, physicochemical variation, residue mobility, and thermodynamic stability) performed at Invitae indicates that this missense variant is not expected to disrupt BRCA2 protein function. This variant is not present in population databases (gnomAD no frequency). This sequence change replaces serine, which is neutral and polar, with phenylalanine, which is neutral and non-polar, at codon 2779 of the BRCA2 protein (p.Ser2779Phe).